The following is an entry in ClinVar:

ClinVar aggregate classification (germline): Benign/Likely benign. Review status: criteria provided, multiple submitters, no conflicts (2 of 4 stars). 4 submissions from 4 submitters: Benign (1); Likely benign (2). 1 of the submissions does not count toward it. Last evaluated 2026-01-19.

Conditions:
SP110-related disorder. Also called: SP110-related condition.
Hepatic veno-occlusive disease-immunodeficiency syndrome. Also called: Hepatic Veno-Occlusive Disease with Immunodeficiency. Identifiers: Orphanet 79124, MedGen C1856128, MONDO:0009338, OMIM 235550. Disease mechanism: loss of function.

Allele frequency attached by ClinVar (database versions not stated): gnomAD 0.00137; 1000 Genomes Project 0.00160; TOPMed 0.00170; ESP Exome Variant Server 0.00177; 1000 Genomes Project 30x 0.00187.
gnomAD v4.1: 522 of 1,614,078 alleles (0.032%); highest among the groups gnomAD compares: African/African-American, 0.63%; no homozygotes.

Submissions (4):

Labcorp Genetics (formerly Invitae), Labcorp
Classification: Benign for Hepatic veno-occlusive disease-immunodeficiency syndrome. Last evaluated: 2026-01-19. Review status: criteria provided, single submitter. Criteria: Invitae Variant Classification Sherloc (09022015). Collection method: clinical testing. Allele origin: germline.

Blueprint Genetics
Classification: Likely benign. Last evaluated: 2024-05-27. Review status: criteria provided, single submitter. Criteria: ACMG Guidelines, 2015. Collection method: clinical testing. Allele origin: germline.

Illumina Laboratory Services, Illumina
Classification: Likely benign for Hepatic veno-occlusive disease-immunodeficiency syndrome. Last evaluated: 2018-01-13. Review status: criteria provided, single submitter. Criteria: ICSL Variant Classification Criteria 13 December 2019. Collection method: clinical testing. Allele origin: germline.
Comment: This variant was observed in the ICSL laboratory as part of a predisposition screen in an ostensibly healthy population. It had not been previously curated by ICSL or reported in the Human Gene Mutation Database (HGMD: prior to June 1st, 2018), and was therefore a candidate for classification through an automated scoring system. Utilizing variant allele frequency, disease prevalence and penetrance estimates, and inheritance mode, an automated score was calculated to assess if this variant is too frequent to cause the disease. Based on the score and internal cut-off values, a variant classified as likely benign is not then subjected to further curation. The score for this variant resulted in a classification of likely benign for this disease.

PreventionGenetics, part of Exact Sciences
Classification: Likely benign for SP110-related condition. Last evaluated: 2019-07-10. Review status: no assertion criteria provided. Collection method: clinical testing. Allele origin: germline. Not counted in ClinVar's aggregate classification.
Comment: This variant is classified as likely benign based on ACMG/AMP sequence variant interpretation guidelines (Richards et al. 2015 PMID: 25741868, with internal and published modifications).

NM_080424.4(SP110):c.522C>T (p.Pro174=)

Genes: SP110 (SP110 nuclear body protein; minus strand), SP140 (SP140 nuclear body protein; plus strand). Cytogenetic location: 2q37.1.
Variant type: single nucleotide variant.
Coding change: c.522C>T on transcript NM_080424.4 (MANE Select); coding-DNA position 522, C replaced by T.
Protein change: p.Pro174=; no amino-acid change (proline 174 retained).
Molecular consequence: synonymous variant.
Genome position (GRCh38, 1-based): chr2:230,212,822, G>A on the plus strand (C>T on the coding strand, the complement: SP110 is on the minus strand). VCF-style: chr2-230212822-G-A. GRCh37 (hg19) VCF-style: chr2-231077537-G-A.
Other names: c.540C>T, p.Pro180= (NM_001185015.2, NM_001378442.1, NM_001378444.1 and 2 more transcripts); c.522C>T, p.Pro174= (NM_001378443.1, NM_001378447.1, NM_004509.5 and 1 more transcripts).
Identifiers: ClinVar variation 466295 (VCV000466295.18), dbSNP rs144428054, ClinGen allele CA2154810.